The following is an entry in ClinVar:

ClinVar aggregate classification (germline): Likely benign. Review status: criteria provided, multiple submitters, no conflicts (2 of 4 stars). 2 submissions from 2 submitters: Likely benign (2). Last evaluated 2026-06-01.

Allele frequency attached by ClinVar (database versions not stated): ESP Exome Variant Server 0.00108; gnomAD 0.00114; TOPMed 0.00128; gnomAD exomes 0.00187; ExAC 0.00204; 1000 Genomes Project 30x 0.00234; 1000 Genomes Project 0.00240.
gnomAD v4.1: 2,918 of 1,613,978 alleles (0.18%); highest among the groups gnomAD compares: South Asian, 0.75%; 18 homozygotes.

Submissions (2):

CeGaT Center for Human Genetics Tuebingen
Classification: Likely benign. Last evaluated: 2026-06-01. Review status: criteria provided, single submitter. Criteria: CeGaT Center For Human Genetics Tuebingen Variant Classification Criteria Version 2. Collection method: clinical testing. Allele origin: germline. Affected: yes. Observed: 3 variant alleles.
Comment: USP53: BS2

Labcorp Genetics (formerly Invitae), Labcorp
Classification: Likely benign. Last evaluated: 2026-01-27. Review status: criteria provided, single submitter. Criteria: Invitae Variant Classification Sherloc (09022015). Collection method: clinical testing. Allele origin: germline.

NM_001371395.1(USP53):c.461A>G (p.Lys154Arg)

Gene: USP53 (ubiquitin specific peptidase 53; plus strand). Cytogenetic location: 4q26.
Variant type: single nucleotide variant.
Coding change: c.461A>G on transcript NM_001371395.1 (MANE Select); coding-DNA position 461, A replaced by G.
Protein change: p.Lys154Arg; replaces lysine 154 with arginine.
Molecular consequence: missense variant.
Genome position (GRCh38, 1-based): chr4:119,256,334, A>G. VCF-style: chr4-119256334-A-G. GRCh37 (hg19) VCF-style: chr4-120177489-A-G.
Other names: c.461A>G, p.Lys154Arg (NM_001371396.1, NM_001371397.1, NM_001371398.1 and 6 more transcripts); c.113A>G, p.Lys38Arg (NM_001389662.1, NM_001389663.1, NM_001389664.1 and 3 more transcripts); short protein forms K38R, K154R.
Identifiers: ClinVar variation 2048281 (VCV002048281.28), dbSNP rs61736682, ClinGen allele CA3058912.